The following is an entry in ClinVar:

NM_001267550.2(TTN):c.50039G>T (p.Gly16680Val)

Genes: TTN (titin; minus strand), TTN-AS1 (TTN antisense RNA 1; plus strand). Cytogenetic location: 2q31.2.
Variant type: single nucleotide variant.
Coding change: c.50039G>T on transcript NM_001267550.2 (MANE Select); coding-DNA position 50039, G replaced by T.
Protein change: p.Gly16680Val; replaces glycine 16680 with valine.
Molecular consequence: missense variant.
Genome position (GRCh38, 1-based): chr2:178,612,486, C>A on the plus strand (G>T on the coding strand, the complement: TTN is on the minus strand). VCF-style: chr2-178612486-C-A. GRCh37 (hg19) VCF-style: chr2-179477213-C-A.
Other names: c.45116G>T, p.Gly15039Val (NM_001256850.1); c.22844G>T, p.Gly7615Val (NM_003319.4); c.42335G>T, p.Gly14112Val (NM_133378.4); c.23219G>T, p.Gly7740Val (NM_133432.3); c.23420G>T, p.Gly7807Val (NM_133437.4); short protein forms G14112V, G16680V, G15039V, G7615V, G7740V, G7807V.
Identifiers: ClinVar variation 263745 (VCV000263745.3), dbSNP rs886038912, ClinGen allele CA10587498.

ClinVar aggregate classification (germline): Uncertain significance (1 of 4 stars; one submission).

Conditions:
Cardiovascular phenotype. Identifiers: MedGen CN230736.

Submission:

Ambry Genetics
Classification: Uncertain significance for Cardiovascular phenotype. Last evaluated: 2013-09-12. Review status: criteria provided, single submitter. Criteria: Ambry Autosomal Dominant and X-Linked criteria (10/2015). Collection method: clinical testing. Allele origin: germline. Observed: 1 variant allele.
Comment: The p.G14112V variant (also known as c.42335G>T) is located in coding exon 214 of the TTNgene. This alteration results from a G to T substitution at nucleotide position 42335. The glycine at codon 14112 is replaced by valine, an amino acid with some dissimilar properties. This variant was not reported in population-based cohorts in the following databases: Database of Single Nucleotide Polymorphisms (dbSNP), the 1000 Genomes Project and the NHLBI Exome Sequencing Project (ESP). In the ESP, this variant was not observed in 6069 samples (12138 alleles) with coverage at this position. Based on protein sequence alignment, this amino acid position is highly conserved in available vertebrate species. In addition, this alteration is predicted to be probably damaging by PolyPhen in silico analysis. Since supporting evidence is limited at this time, the clinical significance of this variant remains unclear.